The following is an entry in ClinVar:

ClinVar aggregate classification (germline): Likely benign. Review status: criteria provided, multiple submitters, no conflicts (2 of 4 stars). 2 submissions from 2 submitters: Likely benign (2). Last evaluated 2025-04-30.

Conditions:
Cohen syndrome (COH1). Also called: Cutis verticis gyrata, retinitis pigmentosa, and sensorineural deafness; PEPPER SYNDROME. Identifiers: Orphanet 193, MedGen C0265223, MONDO:0008999, OMIM 216550.
VPS13B-related disorder. Also called: VPS13B-related condition.

Allele frequency attached by ClinVar (database versions not stated): TOPMed 0.00002.

Submissions (2):

PreventionGenetics, part of Exact Sciences
Classification: Likely benign for VPS13B-related condition. Last evaluated: 2025-04-30. Review status: criteria provided, single submitter. Criteria: ACMG Guidelines, 2015. Collection method: clinical testing. Allele origin: germline.
Comment: This variant is classified as likely benign based on ACMG/AMP sequence variant interpretation guidelines (Richards et al. 2015 PMID: 25741868, with internal and published modifications).

Labcorp Genetics (formerly Invitae), Labcorp
Classification: Likely benign for Cohen syndrome. Last evaluated: 2024-05-15. Review status: criteria provided, single submitter. Criteria: Invitae Variant Classification Sherloc (09022015). Collection method: clinical testing. Allele origin: germline.

NM_152564.5(VPS13B):c.9585G>T (p.Gly3195=)

Gene: VPS13B (vacuolar protein sorting 13 homolog B; plus strand). Cytogenetic location: 8q22.2.
Variant type: single nucleotide variant.
Coding change: c.9585G>T on transcript NM_152564.5 (MANE Select); coding-DNA position 9585, G replaced by T.
Protein change: p.Gly3195=; no amino-acid change (glycine 3195 retained).
Molecular consequence: synonymous variant.
Genome position (GRCh38, 1-based): chr8:99,832,623, G>T. VCF-style: chr8-99832623-G-T. GRCh37 (hg19) VCF-style: chr8-100844851-G-T.
Other names: c.9660G>T, p.Gly3220= (NM_017890.5).
Identifiers: ClinVar variation 2074247 (VCV002074247.6), dbSNP rs1334078728, ClinGen allele CA462458033.
Genomic context (GRCh38, chr8:99,832,623, plus strand): 5'-GAGCCTGCCAGCTATAGTTAGACCAGAGTTTCCCAGACAGAGTGTGGCAGTACCCCTCGG[G>T]AATTTCCGGGAAAATGGATTCTGTACCAGGTATTTTATGTTTATATAAATGTCTGTTCTT-3'
Protein context (NP_689777.3, residues 3185-3205): FPRQSVAVPL[Gly3195=]NFRENGFCTR